The following is an entry in ClinVar:

NM_001378454.1(ALMS1):c.2697del (p.Ile900fs)

Gene: ALMS1 (ALMS1 centrosome and basal body associated protein; plus strand). Cytogenetic location: 2p13.1.
Variant type: Deletion.
Coding change: c.2697del on transcript NM_001378454.1 (MANE Select); coding-DNA position 2697, one base deleted (G; older notation c.2697delG).
Protein change: p.Ile900fs; shifts the reading frame from isoleucine 900.
Molecular consequence: frameshift variant.
Genome position (GRCh38, 1-based): chr2:73,449,224, G deleted; the last of 3 consecutive G bases (chr2:73,449,222-73,449,224); deleting any one gives the same sequence. VCF-style (leftmost placement, unchanged base first): chr2-73449221-TG-T. GRCh37 (hg19) VCF-style: chr2-73676348-TG-T.
Other names: c.2700del, p.Ile901fs (NM_015120.4); short protein forms I901fs, I900fs.
Identifiers: ClinVar variation 3695398 (VCV003695398.4).

ClinVar aggregate classification (germline): Pathogenic/Likely pathogenic. Review status: criteria provided, multiple submitters, no conflicts (2 of 4 stars). 2 submissions from 2 submitters: Pathogenic (1); Likely pathogenic (1). Last evaluated 2024-06-03.

Conditions:
Alstrom syndrome (ALMS). Identifiers: Orphanet 64, MedGen C0268425, MONDO:0008763, OMIM 203800.

Submissions (2):

Natera, Inc.
Classification: Likely pathogenic for Alstrom syndrome. Last evaluated: 2024-06-03. Review status: criteria provided, single submitter. Criteria: Natera Variant Classification Schema (03/2026). Collection method: clinical testing. Allele origin: germline.
Comment: The c.2700del variant in ALMS1 is a frameshift variant predicted to shift the reading frame beginning at codon 901 and leads to a stop codon 33 codons downstream. This variant is expected to result in nonsense mediated decay, truncation, or a dysfunctional protein product. This variant is rare in the general population with a frequency below the threshold expected for the associated phenotype(s). Given the available evidence, this variant is classified as Likely Pathogenic.

Labcorp Genetics (formerly Invitae), Labcorp
Classification: Pathogenic for Alstrom syndrome. Last evaluated: 2024-02-19. Review status: criteria provided, single submitter. Criteria: Invitae Variant Classification Sherloc (09022015). Collection method: clinical testing. Allele origin: germline.
Comment: This sequence change creates a premature translational stop signal (p.Ile901Tyrfs*33) in the ALMS1 gene. It is expected to result in an absent or disrupted protein product. Loss-of-function variants in ALMS1 are known to be pathogenic (PMID: 17594715). This variant is not present in population databases (gnomAD no frequency). This variant has not been reported in the literature in individuals affected with ALMS1-related conditions. For these reasons, this variant has been classified as Pathogenic.

Literature cited by the submitters: PubMed 17594715 (cited by Labcorp Genetics (formerly Invitae), Labcorp).